The following is an entry in ClinVar:

NM_001367534.1(CAMK2G):c.730G>T (p.Glu244Ter)

Gene: CAMK2G (calcium/calmodulin dependent protein kinase II gamma; minus strand). Cytogenetic location: 10q22.2.
Variant type: single nucleotide variant.
Coding change: c.730G>T on transcript NM_001367534.1 (MANE Select); coding-DNA position 730, G replaced by T.
Protein change: p.Glu244Ter; replaces glutamic acid 244 with a stop codon.
Molecular consequence: nonsense. On other transcripts: 5 prime UTR variant (1), non-coding transcript variant (8).
Genome position (GRCh38, 1-based): chr10:73,847,314, C>A on the plus strand (G>T on the coding strand, the complement: CAMK2G is on the minus strand). VCF-style: chr10-73847314-C-A. GRCh37 (hg19) VCF-style: chr10-75607072-C-A.
Other names: c.730G>T, p.Glu244Ter (NM_001204492.2, NM_001222.4, NM_001320898.2 and 28 more transcripts); c.706G>T, p.Glu236Ter (NM_001367514.1, NM_001367525.1, NM_001367532.1); c.484G>T, p.Glu162Ter (NM_001367524.1, NM_001367539.1); c.418G>T, p.Glu140Ter (NM_001367537.1, NM_001367538.1); c.64G>T, p.Glu22Ter (NM_001367540.1); c.-24G>T (NM_001367542.1); short protein forms E140*, E162*, E22*, E236*, E244*.
Identifiers: ClinVar variation 1311455 (VCV001311455.3), dbSNP rs2134745451, ClinGen allele CA377248314.

ClinVar aggregate classification (germline): Uncertain significance (1 of 4 stars; one submission).

Submission:

GeneDx
Classification: Uncertain significance. Last evaluated: 2025-01-10. Review status: criteria provided, single submitter. Criteria: GeneDx Variant Classification Process June 2021. Collection method: clinical testing. Allele origin: germline. Affected: yes.
Comment: Not observed at significant frequency in large population cohorts (gnomAD); Nonsense variant predicted to result in protein truncation or nonsense mediated decay in a gene or region of a gene for which loss of function is not a well-established mechanism of disease; Has not been previously published as pathogenic or benign to our knowledge; Variants in candidate genes are classified as variants of uncertain significance in accordance with ACMG guidelines (PMID: 25741868)